The following is an entry in ClinVar:

NM_000326.5(RLBP1):c.924C>G (p.Pro308=)

Gene: RLBP1 (retinaldehyde binding protein 1; minus strand). Cytogenetic location: 15q26.1.
Variant type: single nucleotide variant.
Coding change: c.924C>G on transcript NM_000326.5 (MANE Select); coding-DNA position 924, C replaced by G.
Protein change: p.Pro308=; no amino-acid change (proline 308 retained).
Molecular consequence: synonymous variant.
Genome position (GRCh38, 1-based): chr15:89,210,315, G>C on the plus strand (C>G on the coding strand, the complement: RLBP1 is on the minus strand). VCF-style: chr15-89210315-G-C. GRCh37 (hg19) VCF-style: chr15-89753546-G-C.
Identifiers: ClinVar variation 317231 (VCV000317231.48), dbSNP rs144615495, ClinGen allele CA7722142.

ClinVar aggregate classification (germline): Conflicting classifications of pathogenicity. Review status: criteria provided, conflicting classifications (1 of 4 stars). 8 submissions from 6 submitters: Uncertain significance (3); Likely benign (5). Last evaluated 2026-01-28.

Conditions:
Retinitis pigmentosa (RP). Identifiers: Orphanet 791, MedGen C0035334, MeSH D012174, MONDO:0019200, OMIM 268000. Inheritance: Autosomal dominant, autosomal recessive and X linked inheritance.
Newfoundland cone-rod dystrophy. Identifiers: MedGen C1843815, MONDO:0011839, OMIM 607476.
Pigmentary retinal dystrophy. Also called: Fundus albipunctatus. Identifiers: Orphanet 227796, Orphanet 52427, MedGen C0311338, MONDO:0007639, OMIM 136880, HP:0030642.

Allele frequency attached by ClinVar (database versions not stated): 1000 Genomes Project 0.00040; 1000 Genomes Project 30x 0.00047; ExAC 0.00096; TOPMed 0.00098; ESP Exome Variant Server 0.00123; gnomAD 0.00153.
gnomAD v4.1: 1,990 of 1,614,204 alleles (0.12%); highest among the groups gnomAD compares: Non-Finnish European, 0.16%; 2 homozygotes.

Submissions (8):

Labcorp Genetics (formerly Invitae), Labcorp
Classification: Likely benign. Last evaluated: 2026-01-28. Review status: criteria provided, single submitter. Criteria: Invitae Variant Classification Sherloc (09022015). Collection method: clinical testing. Allele origin: germline.

Laboratory of Genetics, Children's Clinical University Hospital Latvia
Classification: Likely benign. Last evaluated: 2025-02-16. Review status: criteria provided, single submitter. Criteria: ACMG Guidelines, 2015. Collection method: clinical testing. Allele origin: germline. Affected: yes.

Blueprint Genetics
Classification: Likely benign. Last evaluated: 2024-11-27. Review status: criteria provided, single submitter. Criteria: ACMG Guidelines, 2015. Collection method: clinical testing. Allele origin: germline.

CeGaT Center for Human Genetics Tuebingen
Classification: Likely benign. Last evaluated: 2024-02-01. Review status: criteria provided, single submitter. Criteria: CeGaT Center For Human Genetics Tuebingen Variant Classification Criteria Version 2. Collection method: clinical testing. Allele origin: germline. Affected: yes. Observed: 2 variant alleles.
Comment: RLBP1: BP4, BP7

ARUP Laboratories, Molecular Genetics and Genomics, ARUP Laboratories
Classification: Likely benign. Last evaluated: 2019-11-28. Review status: criteria provided, single submitter. Criteria: ARUP Molecular Germline Variant Investigation Process. Collection method: clinical testing. Allele origin: germline.

Illumina Laboratory Services, Illumina
Classification: Uncertain significance for Newfoundland cone-rod dystrophy. Last evaluated: 2018-01-13. Review status: criteria provided, single submitter. Criteria: ICSL Variant Classification Criteria 13 December 2019. Collection method: clinical testing. Allele origin: germline.

Illumina Laboratory Services, Illumina
Classification: Uncertain significance for Retinitis pigmentosa. Last evaluated: 2018-01-13. Review status: criteria provided, single submitter. Criteria: ICSL Variant Classification Criteria 13 December 2019. Collection method: clinical testing. Allele origin: germline.

Illumina Laboratory Services, Illumina
Classification: Uncertain significance for Pigmentary retinal dystrophy. Last evaluated: 2018-01-13. Review status: criteria provided, single submitter. Criteria: ICSL Variant Classification Criteria 13 December 2019. Collection method: clinical testing. Allele origin: germline.